The following is an entry in ClinVar:

ClinVar aggregate classification (germline): Uncertain significance (1 of 4 stars; one submission).

gnomAD v4.1: 25 of 1,614,000 alleles (0.0015%); highest among the groups gnomAD compares: African/African-American, 0.017%; no homozygotes.

Submission:

Labcorp Genetics (formerly Invitae), Labcorp
Classification: Uncertain significance. Last evaluated: 2024-09-17. Review status: criteria provided, single submitter. Criteria: Invitae Variant Classification Sherloc (09022015). Collection method: clinical testing. Allele origin: germline.
Comment: This sequence change affects codon 344 of the DVL3 mRNA. It is a 'silent' change, meaning that it does not change the encoded amino acid sequence of the DVL3 protein. This variant is present in population databases (no rsID available, gnomAD 0.008%). This variant has not been reported in the literature in individuals affected with DVL3-related conditions. Algorithms developed to predict the effect of sequence changes on RNA splicing suggest that this variant may disrupt the consensus splice site. In summary, the available evidence is currently insufficient to determine the role of this variant in disease. Therefore, it has been classified as a Variant of Uncertain Significance.

NM_004423.4(DVL3):c.1032C>T (p.Cys344=)

Gene: DVL3 (dishevelled segment polarity protein 3; plus strand). Cytogenetic location: 3q27.1.
Variant type: single nucleotide variant.
Coding change: c.1032C>T on transcript NM_004423.4 (MANE Select); coding-DNA position 1032, C replaced by T.
Protein change: p.Cys344=; no amino-acid change (cysteine 344 retained).
Molecular consequence: synonymous variant.
Genome position (GRCh38, 1-based): chr3:184,166,657, C>T. VCF-style: chr3-184166657-C-T. GRCh37 (hg19) VCF-style: chr3-183884445-C-T.
Identifiers: ClinVar variation 3715791 (VCV003715791.2).
Genomic context (GRCh38, chr3:184,166,657, plus strand): 5'-TGTTTTCAGGCCCATCACCCTGACTGTAGCCAAGTGCTGGGACCCAAGTCCACGTGGTTG[C>T]TTCACATTGCCCAGGAGTAAGTGGATGGGAGACTCAGTCCTAAAGCTGGTGCTTACATAC-3'
Protein context (NP_004414.3, residues 334-354): AKCWDPSPRG[Cys344=]FTLPRSEPIR